The following is an entry in ClinVar:

ClinVar aggregate classification (germline): Likely benign. Review status: criteria provided, multiple submitters, no conflicts (2 of 4 stars). 2 submissions from 2 submitters: Likely benign (2). Last evaluated 2025-06-03.

Conditions:
Tuberous sclerosis 2 (TSC2). Identifiers: Orphanet 805, MedGen C1860707, MONDO:0013199, OMIM 613254.

gnomAD v4.1: 2 of 1,598,394 alleles (0.00013%); highest among the groups gnomAD compares: South Asian, 0.0011%; no homozygotes.

Submissions (2):

Myriad Genetics, Inc.
Classification: Likely benign for Tuberous sclerosis 2. Last evaluated: 2025-06-03. Review status: criteria provided, single submitter. Criteria: Myriad Autosomal Dominant, Autosomal Recessive and X-Linked Classification Criteria (2023). Collection method: clinical testing. Allele origin: unknown.
Comment: This variant is considered likely benign. This variant is intronic and is not expected to impact mRNA splicing.

Labcorp Genetics (formerly Invitae), Labcorp
Classification: Likely benign for Tuberous sclerosis 2. Last evaluated: 2024-06-20. Review status: criteria provided, single submitter. Criteria: Invitae Variant Classification Sherloc (09022015). Collection method: clinical testing. Allele origin: germline.

NM_000548.5(TSC2):c.4493+10T>C

Gene: TSC2 (TSC complex subunit 2; plus strand). Cytogenetic location: 16p13.3.
Variant type: single nucleotide variant.
Coding change: c.4493+10T>C on transcript NM_000548.5 (MANE Select); 10 bases into the intron after coding-DNA position 4493, T replaced by C.
Molecular consequence: intron variant.
Genome position (GRCh38, 1-based): chr16:2,084,725, T>C. VCF-style: chr16-2084725-T-C. GRCh37 (hg19) VCF-style: chr16-2134726-T-C.
Other names: c.4424+10T>C (NM_001114382.3); c.4364+10T>C (NM_021055.3, NM_001370405.1); c.4295+10T>C (NM_001363528.2); c.4361+10T>C (NM_001370404.1); c.4292+10T>C (NM_001077183.3); c.4184+10T>C (NM_001318827.2); c.3761+10T>C (NM_001318831.2); c.4148+10T>C (NM_001318829.2); and 1 more.
Identifiers: ClinVar variation 468090 (VCV000468090.11), dbSNP rs764108528, ClinGen allele CA051279.